The following is an entry in ClinVar:

NM_000059.4(BRCA2):c.8904del (p.Val2969fs)

Gene: BRCA2 (BRCA2 DNA repair associated; plus strand). Cytogenetic location: 13q13.1.
Variant type: Deletion.
Coding change: c.8904del on transcript NM_000059.4 (MANE Select); coding-DNA position 8904, one base deleted (C; older notation c.8904delC).
Protein change: p.Val2969fs; shifts the reading frame from valine 2969.
Molecular consequence: frameshift variant.
Genome position (GRCh38, 1-based): chr13:32,379,466, C deleted; the last of 2 consecutive C bases (chr13:32,379,465-32,379,466); deleting either gives the same sequence. VCF-style (leftmost placement, unchanged base first): chr13-32379464-AC-A. GRCh37 (hg19) VCF-style: chr13-32953601-AC-A.
Other names: 9132delC; c.8904delC (NM_000059.3).
Identifiers: ClinVar variation 38192 (VCV000038192.68), dbSNP rs80359730, ClinGen allele CA025865.

ClinVar aggregate classification (germline): Pathogenic. Review status: reviewed by expert panel (3 of 4 stars). 31 submissions from 31 submitters: Pathogenic (1). 30 of the submissions do not count toward it. Last evaluated 2016-04-22.

Conditions:
Inherited prostate cancer.
Inherited breast cancer and ovarian cancer.
BRCA2-related disorder. Also called: BRCA2-related condition; BRCA2-related disorders. Identifiers: MedGen CN239275.
Breast and/or ovarian cancer. Identifiers: MedGen CN221562.
Glioma susceptibility 3 (GLM3). Also called: Glioblastoma 3. Identifiers: Orphanet 182067, Orphanet 360, MedGen C2751641, MONDO:0013093, OMIM 613029.
Prostate cancer. Also called: Malignant tumor of prostate. Identifiers: Orphanet 1331, MedGen C0376358, MONDO:0008315, HP:0012125.
Breast-ovarian cancer, familial, susceptibility to, 2 (BROVCA2). Also called: BRCA2 Hereditary Breast and Ovarian Cancer. Identifiers: Orphanet 145, MedGen C2675520, MONDO:0012933, OMIM 612555. Disease mechanism: loss of function.
Wilms tumor 1 (WT1). Also called: Wilms tumor, somatic. Identifiers: Orphanet 654, MedGen CN033288, MONDO:0008679, OMIM 194070.
Medulloblastoma (MDB). Also called: MEDULLOBLASTOMA PREDISPOSITION SYNDROME; Medulloblastoma, somatic. Identifiers: Orphanet 616, MedGen C0025149, MeSH D008527, MONDO:0007959, OMIM 155255, HP:0002885.
Fanconi anemia complementation group D1. Also called: BRCA2-Related Fanconi Anemia. Identifiers: Orphanet 319462, MedGen C1838457, MONDO:0011584, OMIM 605724.
Familial cancer of breast. Also called: Hereditary breast cancer; hereditary breast carcinoma; BREAST CANCER, FAMILIAL. Identifiers: Orphanet 227535, MedGen C0346153, MONDO:0016419, OMIM 114480. Disease mechanism: loss of function.
Pancreatic cancer, susceptibility to, 2. Identifiers: Orphanet 1333, MedGen C3150546, MONDO:0013235, OMIM 613347.
Hereditary cancer-predisposing syndrome. Also called: Hereditary neoplastic syndrome; Hereditary Cancer Syndrome; Tumor predisposition; Neoplastic Syndromes, Hereditary. Identifiers: Orphanet 140162, MedGen C0027672, MeSH D009386, MONDO:0015356.
Hereditary breast ovarian cancer syndrome. Also called: Breast and ovarian cancer; Hereditary breast and/or ovarian cancer syndrome; Hereditary breast and ovarian cancer; Hereditary breast and ovarian cancer syndrome; BRCA1- and BRCA2-Associated Hereditary Breast and Ovarian Cancer; Hereditary breast and ovarian cancer syndrome (HBOC). Identifiers: Orphanet 145, MedGen C0677776, MeSH D061325, MONDO:0003582. Disease mechanism: loss of function.
Malignant tumor of breast. Also called: Cancer breast; Malignant breast neoplasm. Identifiers: MedGen C0006142, MONDO:0007254. Disease mechanism: loss of function.

Submissions 1 to 10 of 31:

Evidence-based Network for the Interpretation of Germline Mutant Alleles (ENIGMA)
Classification: Pathogenic for Breast-ovarian cancer, familial, susceptibility to, 2. Last evaluated: 2016-04-22. Review status: reviewed by expert panel. Criteria: ENIGMA BRCA1/2 Classification Criteria (2015). Collection method: curation. Allele origin: germline.
Comment: Variant allele predicted to encode a truncated non-functional protein.

Ambry Genetics
Classification: Pathogenic for Hereditary cancer-predisposing syndrome. Last evaluated: 2026-08-28. Review status: criteria provided, single submitter. Criteria: Ambry Variant Classification Scheme 2023. Collection method: clinical testing. Allele origin: germline. Not counted in ClinVar's aggregate classification.
Comment: The c.8904delC (p.V2969Cfs*7) alteration, located in exon 22 (coding exon 21) of the BRCA2 gene, consists of a deletion of one nucleotide at position 8904, causing a translational frameshift with a predicted alternate stop codon after 7 amino acids. This variant is expected to result in loss of function by premature protein truncation or nonsense-mediated mRNA decay. This variant was not reported in population-based cohorts in the Genome Aggregation Database (gnomAD). This variant was previously identified in a patient with early-onset breast cancer who had a family history of breast cancer (Frank, 1998), as well as in individuals diagnosed with prostate cancer (Kote-Jarai, 2011; Willems-Jones, 2012; Cheng, 2016). This variant has also been seen as a recurrent mutation in breast and/or ovarian cancer families of Belgian descent (Claes, 2004; Janaviius, 2010). Of note, this variant is also designated as 9132delC in published literature. Based on the available evidence, this alteration is classified as pathogenic.

Genetics Laboratory, Great Ormond Street Hospital NHS Foundation Trust, North Thames Genomic Laboratory Hub
Classification: Pathogenic for Inherited breast cancer and ovarian cancer. Last evaluated: 2026-05-20. Review status: criteria provided, single submitter. Criteria: CanVIG BRCA Gene Specific V1.22. Collection method: clinical testing. Allele origin: germline. Affected: yes. Not counted in ClinVar's aggregate classification.
Comment: PS4_very-strong, PM2_supporting, PVS1_very-strong, PM5_strong

Labcorp Genetics (formerly Invitae), Labcorp
Classification: Pathogenic for Hereditary breast ovarian cancer syndrome. Last evaluated: 2025-11-25. Review status: criteria provided, single submitter. Criteria: Invitae Variant Classification Sherloc (09022015). Collection method: clinical testing. Allele origin: germline. Not counted in ClinVar's aggregate classification.
Comment: This sequence change creates a premature translational stop signal (p.Val2969Cysfs*7) in the BRCA2 gene. It is expected to result in an absent or disrupted protein product. Loss-of-function variants in BRCA2 are known to be pathogenic (PMID: 20104584). This variant is not present in population databases (gnomAD no frequency). This premature translational stop signal has been observed in individual(s) with prostate cancer and a personal and/or family history of breast cancer (PMID: 9667259, 15026808, 21952622, 23035815, 28284943). This variant is also known as 9132delC. ClinVar contains an entry for this variant (Variation ID: 38192). For these reasons, this variant has been classified as Pathogenic.

Cambridge Genomics Laboratory, East Genomic Laboratory Hub, NHS Genomic Medicine Service
Classification: Pathogenic for Inherited breast cancer and ovarian cancer. Last evaluated: 2025-02-03. Review status: criteria provided, single submitter. Criteria: ACGS Best Practice Guidelines for Variant Classification in Rare Disease 2020. Collection method: clinical testing. Allele origin: germline. Affected: yes. Not counted in ClinVar's aggregate classification.
Comment: PVS1,PS4_Very Strong,PM2_Supporting,PM5_Strong

PreventionGenetics, part of Exact Sciences
Classification: Pathogenic for BRCA2-related condition. Last evaluated: 2025-01-30. Review status: criteria provided, single submitter. Criteria: ACMG Guidelines, 2015. Collection method: clinical testing. Allele origin: germline. Not counted in ClinVar's aggregate classification.
Comment: The BRCA2 c.8904delC variant is predicted to result in a frameshift and premature protein termination (p.Val2969Cysfs*7). This variant has been reported in individuals with a personal and/or family history of breast and/or ovarian cancer and is a recurrent variant in the Belgian population (Claes et al. 2004. PubMed ID: 15026808). It has also been reported in individuals with a history of prostate cancer (Kote-Jarai et al. 2011. PubMed ID: 21952622; Willems-Jones et al. 2012. PubMed ID: 23035815; Table A1, Castro et al. 2013. PubMed ID: 23569316). This variant has not been reported in a large population database (gnomAD), indicating this variant is rare. This variant is interpreted as pathogenic in ClinVar. Frameshift variants in BRCA2 are expected to be pathogenic. This variant is interpreted as pathogenic.

Genomics and Molecular Medicine Service, East Genomic Laboratory Hub, NHS Genomic Medicine Service
Classification: Pathogenic for Inherited prostate cancer. Last evaluated: 2024-08-15. Review status: criteria provided, single submitter. Criteria: ACGS Best Practice Guidelines for Variant Classification in Rare Disease 2020. Collection method: clinical testing. Allele origin: germline. Affected: yes. Not counted in ClinVar's aggregate classification.
Comment: PVS1,PM5_Strong

Blueprint Genetics
Classification: Pathogenic for BRCA2-related disorders. Last evaluated: 2024-05-27. Review status: criteria provided, single submitter. Criteria: ACMG Guidelines, 2015. Collection method: clinical testing. Allele origin: germline. Affected: yes. Observed: 1 variant allele. Not counted in ClinVar's aggregate classification.

Revvity Omics, Revvity
Classification: Pathogenic. Last evaluated: 2024-04-18. Review status: criteria provided, single submitter. Criteria: ACMG Guidelines, 2015. Collection method: clinical testing. Allele origin: germline. Not counted in ClinVar's aggregate classification.

All of Us Research Program, National Institutes of Health
Classification: Pathogenic for Breast-ovarian cancer, familial, susceptibility to, 2. Last evaluated: 2024-02-05. Review status: criteria provided, single submitter. Criteria: ACMG Guidelines, 2015. Collection method: clinical testing. Allele origin: germline. Inheritance: Autosomal dominant inheritance. Observed: 2 variant alleles, 2 heterozygotes. Not counted in ClinVar's aggregate classification.
Comment: This variant deletes 1 nucleotide in exon 22 of the BRCA2 gene, creating a frameshift and premature translation stop signal. This variant is expected to result in an absent or non-functional protein product. This variant has been reported in at least 11 individuals affected with breast or ovarian cancer (PMID: 9667259, 10359546, 12750261, 15635067, 18445692, 18563556, 20807450, 22711857, 25186627, 28831036) and in a breast cancer case-control meta-analysis in 6/60463 cases and 1/53461 unaffected individuals (PMID: 33471991; Leiden Open Variation Database DB-ID BRCA2_001079). This variant also has been reported in several dozens of individuals and families suspected of being affected with hereditary breast and ovarian cancer (PMID: 12920083, 12960223, 15026808, 16234499, 20815029, 29446198) and in individuals affected with prostate cancer (PMID: 18445692, 21952622, 23035815, 23569316, 26724258). This variant has not been identified in the general population by the Genome Aggregation Database (gnomAD). Loss of BRCA2 function is a known mechanism of disease. Based on the available evidence, this variant is classified as Pathogenic.

This study involves interpretation of variants in research participants for the purpose of population health screening. Participant phenotype was not available at the time of variant classification. Additional details can be found in publication PMID: 35346344, PMCID: PMC8962531